The following is an entry in ClinVar:

ClinVar aggregate classification (germline): Uncertain significance. Review status: criteria provided, multiple submitters, no conflicts (2 of 4 stars). 2 submissions from 2 submitters: Uncertain significance (2). Last evaluated 2025-06-22.

gnomAD v4.1: 1 of 1,613,746 alleles (0.000062%); highest among the groups gnomAD compares: African/African-American, 0.0013%; no homozygotes.

Submissions (2):

Ambry Genetics
Classification: Uncertain significance. Last evaluated: 2025-06-22. Review status: criteria provided, single submitter. Criteria: Ambry Variant Classification Scheme 2023. Collection method: clinical testing. Allele origin: germline.

Labcorp Genetics (formerly Invitae), Labcorp
Classification: Uncertain significance. Last evaluated: 2024-06-17. Review status: criteria provided, single submitter. Criteria: Invitae Variant Classification Sherloc (09022015). Collection method: clinical testing. Allele origin: germline.
Comment: This sequence change replaces proline, which is neutral and non-polar, with serine, which is neutral and polar, at codon 585 of the A2ML1 protein (p.Pro585Ser). This variant is not present in population databases (gnomAD no frequency). This variant has not been reported in the literature in individuals affected with A2ML1-related conditions. ClinVar contains an entry for this variant (Variation ID: 1492922). An algorithm developed to predict the effect of missense changes on protein structure and function (PolyPhen-2) suggests that this variant is likely to be disruptive. In summary, the available evidence is currently insufficient to determine the role of this variant in disease. Therefore, it has been classified as a Variant of Uncertain Significance.

NM_144670.6(A2ML1):c.1753C>T (p.Pro585Ser)

Gene: A2ML1 (alpha-2-macroglobulin like 1; plus strand). Cytogenetic location: 12p13.31.
Variant type: single nucleotide variant.
Coding change: c.1753C>T on transcript NM_144670.6 (MANE Select); coding-DNA position 1753, C replaced by T.
Protein change: p.Pro585Ser; replaces proline 585 with serine.
Molecular consequence: missense variant.
Genome position (GRCh38, 1-based): chr12:8,847,618, C>T. VCF-style: chr12-8847618-C-T. GRCh37 (hg19) VCF-style: chr12-9000214-C-T.
Other names: c.280C>T, p.Pro94Ser (NM_001282424.3); c.1753C>T (NM_144670.3); short protein forms P94S, P585S.
Identifiers: ClinVar variation 1492922 (VCV001492922.7), dbSNP rs773327464, ClinGen allele CA383829534.